The following is an entry in ClinVar:

ClinVar aggregate classification (germline): Uncertain significance. Review status: criteria provided, multiple submitters, no conflicts (2 of 4 stars). 3 submissions from 3 submitters: Uncertain significance (3). Last evaluated 2025-03-16.

Conditions:
MEGF8-related disorder. Also called: MEGF8-related condition.
MEGF8-related Carpenter syndrome. Also called: Carpenter syndrome 2. Identifiers: Orphanet 65759, MedGen C3554247, MONDO:0013998, OMIM 614976.
Inborn genetic diseases. Identifiers: MedGen C0950123, MeSH D030342.

Allele frequency attached by ClinVar (database versions not stated): gnomAD 0.00005; ExAC 0.00016.
gnomAD v4.1: 69 of 1,586,806 alleles (0.0043%); highest among the groups gnomAD compares: Non-Finnish European, 0.0058%; no homozygotes.

Submissions (3):

Ambry Genetics
Classification: Uncertain significance for Inborn genetic diseases. Last evaluated: 2025-03-16. Review status: criteria provided, single submitter. Criteria: Ambry Variant Classification Scheme 2023. Collection method: clinical testing. Allele origin: germline.

PreventionGenetics, part of Exact Sciences
Classification: Uncertain significance for MEGF8-related condition. Last evaluated: 2024-10-31. Review status: criteria provided, single submitter. Criteria: ACMG Guidelines, 2015. Collection method: clinical testing. Allele origin: germline.
Comment: The MEGF8 c.5182G>A variant is predicted to result in the amino acid substitution p.Asp1728Asn. To our knowledge, this variant has not been reported in the literature. This variant is reported in 0.012% of alleles in individuals of European (Non-Finnish) descent in gnomAD. At this time, the clinical significance of this variant is uncertain due to the absence of conclusive functional and genetic evidence.

Labcorp Genetics (formerly Invitae), Labcorp
Classification: Uncertain significance for MEGF8-related Carpenter syndrome. Last evaluated: 2022-07-19. Review status: criteria provided, single submitter. Criteria: Invitae Variant Classification Sherloc (09022015). Collection method: clinical testing. Allele origin: germline.
Comment: In summary, the available evidence is currently insufficient to determine the role of this variant in disease. Therefore, it has been classified as a Variant of Uncertain Significance. Algorithms developed to predict the effect of missense changes on protein structure and function are either unavailable or do not agree on the potential impact of this missense change (SIFT: "Tolerated"; PolyPhen-2: "Probably Damaging"; Align-GVGD: "Class C0"). This variant has not been reported in the literature in individuals affected with MEGF8-related conditions. This variant is present in population databases (rs765595234, gnomAD 0.01%). This sequence change replaces aspartic acid, which is acidic and polar, with asparagine, which is neutral and polar, at codon 1728 of the MEGF8 protein (p.Asp1728Asn).

NM_001271938.2(MEGF8):c.5383G>A (p.Asp1795Asn)

Gene: MEGF8 (multiple EGF like domains 8; plus strand). Cytogenetic location: 19q13.2.
Variant type: single nucleotide variant.
Coding change: c.5383G>A on transcript NM_001271938.2 (MANE Select); coding-DNA position 5383, G replaced by A.
Protein change: p.Asp1795Asn; replaces aspartic acid 1795 with asparagine.
Molecular consequence: missense variant.
Genome position (GRCh38, 1-based): chr19:42,359,137, G>A. VCF-style: chr19-42359137-G-A. GRCh37 (hg19) VCF-style: chr19-42863289-G-A.
Other names: c.5182G>A (NM_001410.2); c.5182G>A, p.Asp1728Asn (NM_001410.3); short protein forms D1795N, D1728N.
Identifiers: ClinVar variation 2064831 (VCV002064831.5), dbSNP rs765595234, ClinGen allele CA9475559.